The following is an entry in ClinVar:

NM_002432.3(MNDA):c.1115T>G (p.Leu372Arg)

Gene: MNDA (myeloid cell nuclear differentiation antigen; plus strand). Cytogenetic location: 1q23.1.
Variant type: single nucleotide variant.
Coding change: c.1115T>G on transcript NM_002432.3 (MANE Select); coding-DNA position 1115, T replaced by G.
Protein change: p.Leu372Arg; replaces leucine 372 with arginine.
Molecular consequence: missense variant.
Genome position (GRCh38, 1-based): chr1:158,847,855, T>G. VCF-style: chr1-158847855-T-G. GRCh37 (hg19) VCF-style: chr1-158817645-T-G.
Other names: short protein forms L372R.
Identifiers: ClinVar variation 2561583 (VCV002561583.2), dbSNP rs2526092771, ClinGen allele CA343044633.

ClinVar aggregate classification (germline): Uncertain significance (1 of 4 stars; one submission).

Submission:

Ambry Genetics
Classification: Uncertain significance. Last evaluated: 2023-06-10. Review status: criteria provided, single submitter. Criteria: Ambry Variant Classification Scheme 2023. Collection method: clinical testing. Allele origin: germline.
Comment: The p.L372R variant (also known as c.1115T>G), located in coding exon 5 of the MNDA gene, results from a T to G substitution at nucleotide position 1115. The leucine at codon 372 is replaced by arginine, an amino acid with dissimilar properties. This amino acid position is conserved. In addition, the in silico prediction for this alteration is inconclusive. Since supporting evidence is limited at this time, the clinical significance of this alteration remains unclear.